The following is an entry in ClinVar:

ClinVar aggregate classification (germline): Uncertain significance (1 of 4 stars; one submission).

Conditions:
Combined immunodeficiency due to DOCK8 deficiency (HIES2). Also called: HYPER-IgE SYNDROME 2, AUTOSOMAL RECESSIVE, WITH RECURRENT INFECTIONS; HIES autosomal recessive; Hyper-IgE recurrent infection syndrome, autosomal recessive; HYPER-IgE RECURRENT INFECTION SYNDROME 2, AUTOSOMAL RECESSIVE; DOCK8 Deficiency. Identifiers: Orphanet 217390, MedGen C4722305, MONDO:0009478, OMIM 243700.

Submission:

Labcorp Genetics (formerly Invitae), Labcorp
Classification: Uncertain significance for Combined immunodeficiency due to DOCK8 deficiency. Last evaluated: 2025-12-01. Review status: criteria provided, single submitter. Criteria: Invitae Variant Classification Sherloc (09022015). Collection method: clinical testing. Allele origin: germline.
Comment: This sequence change replaces serine, which is neutral and polar, with phenylalanine, which is neutral and non-polar, at codon 451 of the DOCK8 protein (p.Ser451Phe). This variant is not present in population databases (gnomAD no frequency). This variant has not been reported in the literature in individuals affected with DOCK8-related conditions. Invitae Evidence Modeling of protein sequence and biophysical properties (such as structural, functional, and spatial information, amino acid conservation, physicochemical variation, residue mobility, and thermodynamic stability) indicates that this missense variant is not expected to disrupt DOCK8 protein function with a negative predictive value of 80%. In summary, the available evidence is currently insufficient to determine the role of this variant in disease. Therefore, it has been classified as a Variant of Uncertain Significance.

NM_203447.4(DOCK8):c.1352C>T (p.Ser451Phe)

Gene: DOCK8 (dedicator of cytokinesis 8; plus strand). Cytogenetic location: 9p24.3.
Variant type: single nucleotide variant.
Coding change: c.1352C>T on transcript NM_203447.4 (MANE Select); coding-DNA position 1352, C replaced by T.
Protein change: p.Ser451Phe; replaces serine 451 with phenylalanine.
Molecular consequence: missense variant.
Genome position (GRCh38, 1-based): chr9:336,648, C>T. VCF-style: chr9-336648-C-T. GRCh37 (hg19) VCF-style: chr9-336648-C-T.
Other names: c.1148C>T, p.Ser383Phe (NM_001190458.2, NM_001193536.2); short protein forms S383F, S451F.
Identifiers: ClinVar variation 4706291 (VCV004706291.1).